The following is an entry in ClinVar:

NM_005559.4(LAMA1):c.7460G>A (p.Arg2487Gln)

Gene: LAMA1 (laminin subunit alpha 1; minus strand). Cytogenetic location: 18p11.31.
Variant type: single nucleotide variant.
Coding change: c.7460G>A on transcript NM_005559.4 (MANE Select); coding-DNA position 7460, G replaced by A.
Protein change: p.Arg2487Gln; replaces arginine 2487 with glutamine.
Molecular consequence: missense variant.
Genome position (GRCh38, 1-based): chr18:6,961,752, C>T on the plus strand (G>A on the coding strand, the complement: LAMA1 is on the minus strand). VCF-style: chr18-6961752-C-T. GRCh37 (hg19) VCF-style: chr18-6961751-C-T.
Other names: c.7460G>A (NM_005559.3); short protein forms R2487Q.
Identifiers: ClinVar variation 1897013 (VCV001897013.4), dbSNP rs180910009, ClinGen allele CA8880877.
Genomic context (GRCh38, chr18:6,961,752, plus strand): 5'-TCTGGTGACAAAGATTTGGGTGGCAATTCAATGTAGCCGCCTTTCAGGAAGCTAACACTC[C>T]GGATGGGCTGGACACAGAGGAGATGGAACAGCATGGTGAGTTCCTAGCTGCGGCCAAACC-3'
Protein context (NP_005550.2, residues 2477-2497): VRKGCLLEPI[Arg2487Gln]SVSFLKGGYI

ClinVar aggregate classification (germline): Uncertain significance. Review status: criteria provided, multiple submitters, no conflicts (2 of 4 stars). 2 submissions from 2 submitters: Uncertain significance (2). Last evaluated 2025-08-21.

Conditions:
Inborn genetic diseases. Identifiers: MedGen C0950123, MeSH D030342.

Allele frequency attached by ClinVar (database versions not stated): ExAC 0.00004; gnomAD 0.00004; TOPMed 0.00004; 1000 Genomes Project 30x 0.00016; 1000 Genomes Project 0.00020.
gnomAD v4.1: 52 of 1,614,090 alleles (0.0032%); highest among the groups gnomAD compares: Admixed American, 0.0083%; no homozygotes.

Submissions (2):

Ambry Genetics
Classification: Uncertain significance for Inborn genetic diseases. Last evaluated: 2025-08-21. Review status: criteria provided, single submitter. Criteria: Ambry Variant Classification Scheme 2023. Collection method: clinical testing. Allele origin: germline.

Labcorp Genetics (formerly Invitae), Labcorp
Classification: Uncertain significance. Last evaluated: 2023-07-19. Review status: criteria provided, single submitter. Criteria: Invitae Variant Classification Sherloc (09022015). Collection method: clinical testing. Allele origin: germline.
Comment: ClinVar contains an entry for this variant (Variation ID: 1897013). This variant has not been reported in the literature in individuals affected with LAMA1-related conditions. This variant is present in population databases (rs180910009, gnomAD 0.006%). This sequence change replaces arginine, which is basic and polar, with glutamine, which is neutral and polar, at codon 2487 of the LAMA1 protein (p.Arg2487Gln). Advanced modeling of protein sequence and biophysical properties (such as structural, functional, and spatial information, amino acid conservation, physicochemical variation, residue mobility, and thermodynamic stability) performed at Invitae indicates that this missense variant is not expected to disrupt LAMA1 protein function. In summary, the available evidence is currently insufficient to determine the role of this variant in disease. Therefore, it has been classified as a Variant of Uncertain Significance.